The following is an entry in ClinVar:

ClinVar aggregate classification (germline): Likely benign (1 of 4 stars; one submission).

Conditions:
MN1-related disorder. Also called: MN1-related condition.

gnomAD v4.1: 217 of 1,608,602 alleles (0.013%); highest among the groups gnomAD compares: Non-Finnish European, 0.018%; no homozygotes.

Submission:

PreventionGenetics, part of Exact Sciences
Classification: Likely benign for MN1-related condition. Last evaluated: 2026-02-16. Review status: criteria provided, single submitter. Criteria: ACMG Guidelines, 2015. Collection method: clinical testing. Allele origin: germline.
Comment: This variant is classified as likely benign based on ACMG/AMP sequence variant interpretation guidelines (Richards et al. 2015 PMID: 25741868, with internal and published modifications).

NM_002430.3(MN1):c.2856C>T (p.His952=)

Gene: MN1 (MN1 proto-oncogene, transcriptional regulator; minus strand). Cytogenetic location: 22q12.1.
Variant type: single nucleotide variant.
Coding change: c.2856C>T on transcript NM_002430.3 (MANE Select); coding-DNA position 2856, C replaced by T.
Protein change: p.His952=; no amino-acid change (histidine 952 retained).
Molecular consequence: synonymous variant.
Genome position (GRCh38, 1-based): chr22:27,797,688, G>A on the plus strand (C>T on the coding strand, the complement: MN1 is on the minus strand). VCF-style: chr22-27797688-G-A. GRCh37 (hg19) VCF-style: chr22-28193676-G-A.
Identifiers: ClinVar variation 4982020 (VCV004982020.1).